The following is an entry in ClinVar:

ClinVar aggregate classification (germline): Uncertain significance. Review status: criteria provided, multiple submitters, no conflicts (2 of 4 stars). 2 submissions from 2 submitters: Uncertain significance (2). Last evaluated 2025-09-22.

gnomAD v4.1: 9 of 1,550,202 alleles (0.00058%); highest among the groups gnomAD compares: Non-Finnish European, 0.0007%; no homozygotes.

Submissions (2):

Women's Health and Genetics/Laboratory Corporation of America, LabCorp
Classification: Uncertain significance. Last evaluated: 2025-09-22. Review status: criteria provided, single submitter. Criteria: LabCorp Variant Classification Summary - May 2015. Collection method: clinical testing. Allele origin: germline.
Comment: Variant summary: ZNF469 c.3806C>T (p.Pro1269Leu) results in a non-conservative amino acid change in the encoded protein sequence. Algorithms developed to predict the effect of missense changes on protein structure and function are either unavailable or do not agree on the potential impact of this missense change. The variant was absent in 151700 control chromosomes. The available data on variant occurrences in the general population are insufficient to allow any conclusion about variant significance. To our knowledge, no occurrence of c.3806C>T in individuals affected with ZNF469-related conditions and no experimental evidence demonstrating its impact on protein function have been reported. ClinVar contains an entry for this variant (Variation ID: 3673691). Based on the evidence outlined above, the variant was classified as uncertain significance.

Labcorp Genetics (formerly Invitae), Labcorp
Classification: Uncertain significance. Last evaluated: 2025-09-03. Review status: criteria provided, single submitter. Criteria: Invitae Variant Classification Sherloc (09022015). Collection method: clinical testing. Allele origin: germline.
Comment: This sequence change replaces proline, which is neutral and non-polar, with leucine, which is neutral and non-polar, at codon 1241 of the ZNF469 protein (p.Pro1241Leu). The frequency data for this variant in the population databases is considered unreliable, as metrics indicate poor data quality at this position in the gnomAD database. This variant has not been reported in the literature in individuals affected with ZNF469-related conditions. ClinVar contains an entry for this variant (Variation ID: 3673691). An algorithm developed to predict the effect of missense changes on protein structure and function (PolyPhen-2) suggests that this variant is likely to be tolerated. In summary, the available evidence is currently insufficient to determine the role of this variant in disease. Therefore, it has been classified as a Variant of Uncertain Significance.

NM_001367624.2(ZNF469):c.3806C>T (p.Pro1269Leu)

Gene: ZNF469 (zinc finger protein 469; plus strand). Cytogenetic location: 16q24.2.
Variant type: single nucleotide variant.
Coding change: c.3806C>T on transcript NM_001367624.2 (MANE Select); coding-DNA position 3806, C replaced by T.
Protein change: p.Pro1269Leu; replaces proline 1269 with leucine.
Molecular consequence: missense variant.
Genome position (GRCh38, 1-based): chr16:88,431,276, C>T. VCF-style: chr16-88431276-C-T. GRCh37 (hg19) VCF-style: chr16-88497684-C-T.
Other names: short protein forms P1269L.
Identifiers: ClinVar variation 3673691 (VCV003673691.3).
Genomic context (GRCh38, chr16:88,431,276, plus strand): 5'-CAGCCGCCTGTGCGGGAGAAATGGGAGCAAGCCCCGGTCTCCTGATACCAGAGCAGCCGC[C>T]GCCCAGCAGACATGACACCGGCACCCCCAAGCCGTCGGGAAGCCTCGCCAACACGGCGCC-3'
Protein context (NP_001354553.1, residues 1259-1279): SPGLLIPEQP[Pro1269Leu]PSRHDTGTPK